The following is an entry in ClinVar:

ClinVar aggregate classification (germline): Conflicting classifications of pathogenicity. Review status: criteria provided, conflicting classifications (1 of 4 stars). 2 submissions from 2 submitters: Uncertain significance (1); Likely benign (1). Last evaluated 2025-12-10.

Conditions:
Progressive familial heart block type IB (PFHB1B). Identifiers: Orphanet 871, MedGen C1970298, MONDO:0011474, OMIM 604559.
Cardiovascular phenotype. Identifiers: MedGen CN230736.

Allele frequency attached by ClinVar (database versions not stated): gnomAD exomes 0.00001; ExAC 0.00002; gnomAD 0.00005; ESP Exome Variant Server 0.00008; TOPMed 0.00010; 1000 Genomes Project 0.00040; 1000 Genomes Project 30x 0.00047.
gnomAD v4.1: 20 of 1,614,216 alleles (0.0012%); highest among the groups gnomAD compares: African/African-American, 0.013%; no homozygotes.

Submissions (2):

Ambry Genetics
Classification: Likely benign for Cardiovascular phenotype. Last evaluated: 2025-12-10. Review status: criteria provided, single submitter. Criteria: Ambry Variant Classification Scheme 2023. Collection method: clinical testing. Allele origin: germline.

Labcorp Genetics (formerly Invitae), Labcorp
Classification: Uncertain significance for Progressive familial heart block type IB. Last evaluated: 2024-11-07. Review status: criteria provided, single submitter. Criteria: Invitae Variant Classification Sherloc (09022015). Collection method: clinical testing. Allele origin: germline.
Comment: This sequence change replaces arginine, which is basic and polar, with glycine, which is neutral and non-polar, at codon 1086 of the TRPM4 protein (p.Arg1086Gly). This variant is present in population databases (rs200167232, gnomAD 0.01%). This missense change has been observed in individual(s) with TRPM4-related conditions (PMID: 30391667). ClinVar contains an entry for this variant (Variation ID: 1483996). An algorithm developed to predict the effect of missense changes on protein structure and function (PolyPhen-2) suggests that this variant is likely to be tolerated. In summary, the available evidence is currently insufficient to determine the role of this variant in disease. Therefore, it has been classified as a Variant of Uncertain Significance.

Literature cited by the submitters: PubMed 30391667 (cited by Ambry Genetics and Labcorp Genetics (formerly Invitae), Labcorp).

NM_017636.4(TRPM4):c.3256C>G (p.Arg1086Gly)

Gene: TRPM4 (transient receptor potential cation channel subfamily M member 4; plus strand). Cytogenetic location: 19q13.33.
Variant type: single nucleotide variant.
Coding change: c.3256C>G on transcript NM_017636.4 (MANE Select); coding-DNA position 3256, C replaced by G.
Protein change: p.Arg1086Gly; replaces arginine 1086 with glycine.
Molecular consequence: missense variant.
Genome position (GRCh38, 1-based): chr19:49,210,333, C>G. VCF-style: chr19-49210333-C-G. GRCh37 (hg19) VCF-style: chr19-49713590-C-G.
Other names: c.2821C>G, p.Arg941Gly (NM_001195227.2); c.2911C>G, p.Arg971Gly (NM_001321281.2); c.1648C>G, p.Arg550Gly (NM_001321282.2); c.2734C>G, p.Arg912Gly (NM_001321283.2); c.2194C>G, p.Arg732Gly (NM_001321285.2); short protein forms R1086G, R941G, R550G, R971G, R732G, R912G.
Identifiers: ClinVar variation 1483996 (VCV001483996.9), dbSNP rs200167232, ClinGen allele CA9569829.